The following is an entry in ClinVar:

ClinVar aggregate classification (germline): Pathogenic (1 of 4 stars; one submission).

Submission:

Labcorp Genetics (formerly Invitae), Labcorp
Classification: Pathogenic. Last evaluated: 2021-10-04. Review status: criteria provided, single submitter. Criteria: Invitae Variant Classification Sherloc (09022015). Collection method: clinical testing. Allele origin: germline.
Comment: This variant has not been reported in the literature in individuals affected with ASNS-related conditions. For these reasons, this variant has been classified as Pathogenic. A gross deletion of the genomic region encompassing the full coding sequence of the ASNS gene has been identified. Loss-of-function variants in ASNS are known to be pathogenic (PMID: 27422383, 30057589). The boundaries of this event are unknown as they extend beyond the assayed region for this gene and therefore may encompass additional genes.

Literature cited by the submitters: PubMed 27422383; PubMed 30057589.

NC_000007.13:g.(?_97481561)_(97498478_?)del

Gene: ASNS (asparagine synthetase (glutamine-hydrolyzing); minus strand). Cytogenetic location: 7q21.3.
Variant type: Deletion.
Identifiers: ClinVar variation 1457008 (VCV001457008.4).